The following is an entry in ClinVar:

NM_015141.4(GPD1L):c.8del (p.Ala3fs)

Genes: GPD1L (glycerol-3-phosphate dehydrogenase 1 like; plus strand), LOC129936414 (ATAC-STARR-seq lymphoblastoid silent region 14165; plus strand). Cytogenetic location: 3p22.3.
Variant type: Deletion.
Coding change: c.8del on transcript NM_015141.4 (MANE Select); coding-DNA position 8, one base deleted (C; older notation c.8delC).
Protein change: p.Ala3fs; shifts the reading frame from alanine 3.
Molecular consequence: frameshift variant.
Genome position (GRCh38, 1-based): chr3:32,106,719, C deleted. VCF-style (leftmost placement, unchanged base first): chr3-32106718-GC-G. GRCh37 (hg19) VCF-style: chr3-32148210-GC-G.
Other names: c.8delC (NM_015141.3); short protein forms A3fs.
Identifiers: ClinVar variation 190765 (VCV000190765.2), dbSNP rs786205800, ClinGen allele CA334815.

ClinVar aggregate classification (germline): Uncertain significance (1 of 4 stars; one submission).

Submission:

GeneDx
Classification: Uncertain significance. Last evaluated: 2014-08-20. Review status: criteria provided, single submitter. Criteria: GeneDx Variant Classification (06012015). Collection method: clinical testing. Allele origin: germline. Affected: yes.
Comment: Although the c.8delC variant in the GPD1L gene has not been reported to our knowledge, this variant causes a shift in reading frame starting at codon Alanine 3, changing it to a Glycine, and creating a premature stop codon at position 4 of the new reading frame, denoted p.Ala3GlyfsX4. This variant is expected to result in either an abnormal, truncated protein product or loss of protein from this allele through nonsense-mediated mRNA decay. Furthermore, the c.8delC variant was not observed in approximately 6,400 individuals of European and African American ancestry in the NHLBI Exome Sequencing Project, indicating it is not a common benign variant in these populations. However, frameshift mutations in the GPD1L gene have not been reported. Therefore, based on the currently available information, it is unclear whether this variant is a pathogenic mutation or a rare benign variant.